The following is an entry in ClinVar:

ClinVar aggregate classification (germline): Uncertain significance (1 of 4 stars; one submission).

gnomAD v4.1: 7 of 1,614,192 alleles (0.00043%); highest among the groups gnomAD compares: Non-Finnish European, 0.00042%; no homozygotes.

Submission:

Labcorp Genetics (formerly Invitae), Labcorp
Classification: Uncertain significance. Last evaluated: 2024-11-18. Review status: criteria provided, single submitter. Criteria: Invitae Variant Classification Sherloc (09022015). Collection method: clinical testing. Allele origin: germline.
Comment: This sequence change replaces leucine, which is neutral and non-polar, with valine, which is neutral and non-polar, at codon 737 of the TFRC protein (p.Leu737Val). This variant is not present in population databases (gnomAD no frequency). This variant has not been reported in the literature in individuals affected with TFRC-related conditions. ClinVar contains an entry for this variant (Variation ID: 2984821). Invitae Evidence Modeling of protein sequence and biophysical properties (such as structural, functional, and spatial information, amino acid conservation, physicochemical variation, residue mobility, and thermodynamic stability) indicates that this missense variant is not expected to disrupt TFRC protein function with a negative predictive value of 80%. In summary, the available evidence is currently insufficient to determine the role of this variant in disease. Therefore, it has been classified as a Variant of Uncertain Significance.

NM_001128148.3(TFRC):c.2209C>G (p.Leu737Val)

Gene: TFRC (transferrin receptor; minus strand). Cytogenetic location: 3q29.
Variant type: single nucleotide variant.
Coding change: c.2209C>G on transcript NM_001128148.3 (MANE Select); coding-DNA position 2209, C replaced by G.
Protein change: p.Leu737Val; replaces leucine 737 with valine.
Molecular consequence: missense variant.
Genome position (GRCh38, 1-based): chr3:196,052,016, G>C on the plus strand (C>G on the coding strand, the complement: TFRC is on the minus strand). VCF-style: chr3-196052016-G-C. GRCh37 (hg19) VCF-style: chr3-195778887-G-C.
Other names: c.1966C>G, p.Leu656Val (NM_001313965.2); c.1363C>G, p.Leu455Val (NM_001313966.2); c.2209C>G, p.Leu737Val (NM_003234.4); short protein forms L455V, L656V, L737V.
Identifiers: ClinVar variation 2984821 (VCV002984821.3), dbSNP rs1291674789, ClinGen allele CA355557795.